The following is an entry in ClinVar:

ClinVar aggregate classification (germline): Pathogenic. Review status: criteria provided, multiple submitters, no conflicts (2 of 4 stars). 2 submissions from 2 submitters: Pathogenic (2). Last evaluated 2022-10-24.

Conditions:
Choroideremia. Also called: Chorioretinal scalloped atrophy. Identifiers: Orphanet 180, MedGen C0008525, MONDO:0010557, OMIM 303100, HP:0001139.

Submissions (2):

Labcorp Genetics (formerly Invitae), Labcorp
Classification: Pathogenic. Last evaluated: 2022-10-24. Review status: criteria provided, single submitter. Criteria: Invitae Variant Classification Sherloc (09022015). Collection method: clinical testing. Allele origin: germline.
Comment: This variant has not been reported in the literature in individuals affected with CHM-related conditions. ClinVar contains an entry for this variant (Variation ID: 804046). For these reasons, this variant has been classified as Pathogenic. This variant is not present in population databases (gnomAD no frequency). This sequence change creates a premature translational stop signal (p.Asp353Hisfs*66) in the CHM gene. It is expected to result in an absent or disrupted protein product. Loss-of-function variants in CHM are known to be pathogenic (PMID: 9067750, 23811034).

Mendelics
Classification: Pathogenic for Choroideremia. Last evaluated: 2019-05-28. Review status: criteria provided, single submitter. Criteria: Mendelics Assertion Criteria 2017. Collection method: clinical testing. Allele origin: unknown.

Literature cited by the submitters: PubMed 9067750 (cited by Labcorp Genetics (formerly Invitae), Labcorp); PubMed 23811034 (cited by Labcorp Genetics (formerly Invitae), Labcorp).

NM_000390.4(CHM):c.1053_1056dup (p.Asp353fs)

Gene: CHM (CHM Rab escort protein; minus strand). Cytogenetic location: Xq21.2.
Variant type: Duplication.
Coding change: c.1053_1056dup on transcript NM_000390.4 (MANE Select); coding-DNA positions 1053 to 1056, 4 bases duplicated (CATA; older notation c.1053_1056dupCATA).
Protein change: p.Asp353fs; shifts the reading frame from aspartic acid 353.
Molecular consequence: frameshift variant.
Genome position (GRCh38, 1-based): chrX:85,956,263-85,956,266, TATG duplicated on the plus strand (CATA on the coding strand, the reverse complement: CHM is on the minus strand). VCF-style (leftmost placement, unchanged base first): chrX-85956262-C-CTATG. GRCh37 (hg19) VCF-style: chrX-85211267-C-CTATG.
Other names: c.609_612dup, p.Asp205fs (NM_001320959.1, NM_001362517.1, NM_001362518.2 and 1 more transcripts); short protein forms D205fs, D353fs.
Identifiers: ClinVar variation 804046 (VCV000804046.6), dbSNP rs1603262410, ClinGen allele CA915951305.
Genomic context (GRCh38, chrX:85,956,262, plus strand): 5'-ATGGAGTGTTGCCATACCGCCCAAGACAGTGAAGAAAGTTTTTGGTAGCTTTGAGACCAT[C>CTATG]TATGGTGCTGCTGGCTGTCTCTGATGTCATTGCAATTGAATGCATGACAATATATTGGAG-3'